The following is an entry in ClinVar:

NM_014679.5(CEP57):c.920T>C (p.Val307Ala)

Gene: CEP57 (centrosomal protein 57; plus strand). Cytogenetic location: 11q21.
Variant type: single nucleotide variant.
Coding change: c.920T>C on transcript NM_014679.5 (MANE Select); coding-DNA position 920, T replaced by C.
Protein change: p.Val307Ala; replaces valine 307 with alanine.
Molecular consequence: missense variant.
Genome position (GRCh38, 1-based): chr11:95,827,820, T>C. VCF-style: chr11-95827820-T-C. GRCh37 (hg19) VCF-style: chr11-95560984-T-C.
Other names: c.893T>C, p.Val298Ala (NM_001243776.2); c.722T>C, p.Val241Ala (NM_001440877.1, NM_001440878.1); c.695T>C, p.Val232Ala (NM_001440879.1); c.659T>C, p.Val220Ala (NM_001440880.1); c.623T>C, p.Val208Ala (NM_001440881.1); c.617T>C, p.Val206Ala (NM_001440882.1); c.842T>C, p.Val281Ala (NM_001243777.2); c.839T>C, p.Val280Ala (NM_001363604.2, NM_001440869.1, NM_001440870.1); and 6 more; short protein forms V206A, V208A, V244A, V280A, V241A, V268A, V281A, V232A.
Identifiers: ClinVar variation 4842307 (VCV004842307.1).

ClinVar aggregate classification (germline): Uncertain significance (1 of 4 stars; one submission).

Conditions:
Inborn genetic diseases. Identifiers: MedGen C0950123, MeSH D030342.

Submission:

Ambry Genetics
Classification: Uncertain significance for Inborn genetic diseases. Last evaluated: 2025-12-15. Review status: criteria provided, single submitter. Criteria: Ambry Variant Classification Scheme 2023. Collection method: clinical testing. Allele origin: germline.
Comment: The p.V307A variant (also known as c.920T>C), located in coding exon 9 of the CEP57 gene, results from a T to C substitution at nucleotide position 920. The valine at codon 307 is replaced by alanine, an amino acid with similar properties. This amino acid position is conserved. In addition, the in silico prediction for this alteration is inconclusive. Based on the available evidence, the clinical significance of this variant remains unclear.